The following is an entry in ClinVar:

NM_020859.4(SHROOM3):c.1405C>G (p.Pro469Ala)

Genes: SHROOM3 (shroom family member 3; plus strand), SHROOM3-AS1 (SHROOM3 antisense RNA 1; minus strand). Cytogenetic location: 4q21.1.
Variant type: single nucleotide variant.
Coding change: c.1405C>G on transcript NM_020859.4 (MANE Select); coding-DNA position 1405, C replaced by G.
Protein change: p.Pro469Ala; replaces proline 469 with alanine.
Molecular consequence: missense variant.
Genome position (GRCh38, 1-based): chr4:76,739,578, C>G. VCF-style: chr4-76739578-C-G. GRCh37 (hg19) VCF-style: chr4-77660731-C-G.
Other names: short protein forms P469A.
Identifiers: ClinVar variation 403439 (VCV000403439.10), dbSNP rs344141, ClinGen allele CA2972359.

ClinVar aggregate classification (germline): Benign. Review status: criteria provided, multiple submitters, no conflicts (2 of 4 stars). 4 submissions from 4 submitters: Benign (3). 1 of the submissions does not count toward it. Last evaluated 2021-06-09.

Conditions:
SHROOM3-related disorder. Also called: SHROOM3-related condition.

Allele frequency attached by ClinVar (database versions not stated): 1000 Genomes Project 30x 0.43613; 1000 Genomes Project 0.43850; TOPMed 0.53194; gnomAD 0.53501 and 0.54126; ESP Exome Variant Server 0.55551.
gnomAD v4.1: 936,282 of 1,613,930 alleles (58%); highest among the groups gnomAD compares: Non-Finnish European, 62%; 277,640 homozygotes.

Submissions (4):

GeneDx
Classification: Benign. Last evaluated: 2021-06-09. Review status: criteria provided, single submitter. Criteria: GeneDx Variant Classification Process June 2021. Collection method: clinical testing. Allele origin: germline. Affected: yes.

Laboratory for Molecular Medicine, Mass General Brigham Personalized Medicine
Classification: Benign. Last evaluated: 2016-03-29. Review status: criteria provided, single submitter. Criteria: LMM Criteria. Collection method: clinical testing. Allele origin: germline.
Comment: Variant identified in a genome or exome case(s) and assessed due to predicted null impact of the variant or pathogenic assertions in the literature or databases. Disclaimer: This variant has not undergone full assessment. The following are preliminary notes: Frequency

Breakthrough Genomics
Classification: Benign. Review status: criteria provided, single submitter. Criteria: ACMG Guidelines, 2015. Collection method: not provided. Allele origin: germline. Inheritance: Unknown mechanism. Affected: yes.

PreventionGenetics, part of Exact Sciences
Classification: Benign for SHROOM3-related condition. Last evaluated: 2019-03-18. Review status: no assertion criteria provided. Collection method: clinical testing. Allele origin: germline. Not counted in ClinVar's aggregate classification.
Comment: This variant is classified as benign based on ACMG/AMP sequence variant interpretation guidelines (Richards et al. 2015 PMID: 25741868, with internal and published modifications).